The following is an entry in ClinVar:

NM_000176.3(NR3C1):c.2298T>C (p.Asn766=)

Gene: NR3C1 (nuclear receptor subfamily 3 group C member 1; minus strand). Cytogenetic location: 5q31.3.
Variant type: single nucleotide variant.
Coding change: c.2298T>C on transcript NM_000176.3 (MANE Select); coding-DNA position 2298, T replaced by C.
Protein change: p.Asn766=; no amino-acid change (asparagine 766 retained).
Molecular consequence: synonymous variant. On other transcripts: non-coding transcript variant (1), intron variant (1).
Genome position (GRCh38, 1-based): chr5:143,281,925, A>G on the plus strand (T>C on the coding strand, the complement: NR3C1 is on the minus strand). VCF-style: chr5-143281925-A-G. GRCh37 (hg19) VCF-style: chr5-142661490-A-G.
Other names: c.2298T>C, p.Asn766= (NM_001018074.1, NM_001018075.1, NM_001018076.2 and 4 more transcripts); c.2301T>C, p.Asn767= (NM_001024094.2, NM_001364183.2, NM_001364184.2 and 1 more transcripts); c.2220T>C, p.Asn740= (NM_001204258.2); c.2043T>C, p.Asn681= (NM_001204259.2); c.2031T>C, p.Asn677= (NM_001204260.2); c.2007T>C, p.Asn669= (NM_001204261.2); c.1353T>C, p.Asn451= (NM_001204262.2); c.1308T>C, p.Asn436= (NM_001204263.2); and 2 more.
Identifiers: ClinVar variation 351364 (VCV000351364.13), dbSNP rs6196, ClinGen allele CA3486682.

ClinVar aggregate classification (germline): Benign/Likely benign. Review status: criteria provided, multiple submitters, no conflicts (2 of 4 stars). 3 submissions from 3 submitters: Benign (2); Likely benign (1). Last evaluated 2026-02-03.

Conditions:
Glucocorticoid resistance. Also called: Gccr deficiency; Glucocorticoid receptor deficiency; Cortisol resistance from glucocorticoid receptor defect; Gcr deficiency; Glucocorticoid resistance, generalized. Identifiers: Orphanet 786, MedGen C1841972, MONDO:0014421, OMIM 615962.

Allele frequency attached by ClinVar (database versions not stated): 1000 Genomes Project 30x 0.11540; 1000 Genomes Project 0.11881; gnomAD exomes 0.12422 and 0.15046; ExAC 0.12991; TOPMed 0.14498; gnomAD 0.15144 and 0.15759; ESP Exome Variant Server 0.16500.
gnomAD v4.1: 242,226 of 1,613,080 alleles (15%); highest among the groups gnomAD compares: African/African-American, 18%; 19,890 homozygotes.

Submissions (3):

Labcorp Genetics (formerly Invitae), Labcorp
Classification: Benign. Last evaluated: 2026-02-03. Review status: criteria provided, single submitter. Criteria: Invitae Variant Classification Sherloc (09022015). Collection method: clinical testing. Allele origin: germline.

Blueprint Genetics
Classification: Likely benign. Last evaluated: 2024-11-26. Review status: criteria provided, single submitter. Criteria: ACMG Guidelines, 2015. Collection method: clinical testing. Allele origin: germline.

Illumina Laboratory Services, Illumina
Classification: Benign for Glucocorticoid resistance. Last evaluated: 2018-03-06. Review status: criteria provided, single submitter. Criteria: ICSL Variant Classification Criteria 13 December 2019. Collection method: clinical testing. Allele origin: germline.
Comment: This variant was observed in the ICSL laboratory as part of a predisposition screen in an ostensibly healthy population. It had not been previously curated by ICSL or reported in the Human Gene Mutation Database (HGMD: prior to June 1st, 2018), and was therefore a candidate for classification through an automated scoring system. Utilizing variant allele frequency, disease prevalence and penetrance estimates, and inheritance mode, an automated score was calculated to assess if this variant is too frequent to cause the disease. Based on the score and internal cut-off values, a variant classified as benign is not then subjected to further curation. The score for this variant resulted in a classification of benign for this disease.